The following is an entry in ClinVar:

ClinVar aggregate classification (germline): Likely pathogenic (1 of 4 stars; one submission).

Conditions:
Focal segmental glomerulosclerosis 7 (FSGS7). Identifiers: Orphanet 656, MedGen C4014925, MONDO:0014451, OMIM 616002.

Submission:

Molecular Lab, University of Sulaimaniyah
Classification: Likely pathogenic for Focal segmental glomerulosclerosis 7. Last evaluated: 2026-04-06. Review status: criteria provided, single submitter. Criteria: ACMG Guidelines, 2015. Collection method: research. Allele origin: germline. Inheritance: Autosomal dominant inheritance. Affected: yes. Observed: 1 variant allele.
Comment: This variant was classified using the ACMG/AMP 2015 framework (PMID:25741868). PVS1 was applied because PAX2 c.202delA is predicted to cause a frameshift and premature termination. PM2 was considered because the variant is absent or rare in population databases. PP4 was used as supporting case-level evidence because the variant was observed in an affected individual with biopsy-proven focal segmental glomerulosclerosis. As internal case-level support, the variant was observed in 1 affected individual(s) among 35 individuals tested, including 1 single heterozygote. No functional assay evidence is submitted. Overall, the submitted evidence supported a Likely pathogenic classification.

NM_000278.5(PAX2):c.202del (p.Ile68fs)

Gene: PAX2 (paired box 2; plus strand). Cytogenetic location: 10q24.31.
Variant type: Deletion.
Coding change: c.202del on transcript NM_000278.5 (MANE Select); coding-DNA position 202, one base deleted (A; older notation c.202delA).
Protein change: p.Ile68fs; shifts the reading frame from isoleucine 68.
Molecular consequence: frameshift variant.
Genome position (GRCh38, 1-based): chr10:100,749,904, A deleted; the last of 4 consecutive A bases (chr10:100,749,901-100,749,904); deleting any one gives the same sequence. VCF-style (leftmost placement, unchanged base first): chr10-100749900-CA-C. GRCh37 (hg19) VCF-style: chr10-102509657-CA-C.
Other names: c.295del, p.Ile99fs (NM_001304569.2); c.202del, p.Ile68fs (NM_003987.5, NM_003988.5, NM_003989.5 and 1 more transcripts); c.202delA (NM_003990.5); short protein forms I68fs, I99fs.
Identifiers: ClinVar variation 4856417 (VCV004856417.1).